The following is an entry in ClinVar:

ClinVar aggregate classification (germline): Conflicting classifications of pathogenicity. Review status: criteria provided, conflicting classifications (1 of 4 stars). 14 submissions from 10 submitters: Uncertain significance (7); Likely benign (7). Last evaluated 2026-01-05.

Conditions:
Autosomal recessive limb-girdle muscular dystrophy type 2J (LGMDR10). Also called: Limb-girdle muscular dystrophy, type 2J; MUSCULAR DYSTROPHY, LIMB-GIRDLE, AUTOSOMAL RECESSIVE 10. Identifiers: Orphanet 140922, MedGen C1837342, MONDO:0012127, OMIM 608807.
Dilated cardiomyopathy 1G (CMD1G). Identifiers: Orphanet 154, MedGen C1858763, MONDO:0011400, OMIM 604145.
Cardiovascular phenotype. Identifiers: MedGen CN230736.
Cardiomyopathy (CMYO). Also called: Cardiomyopathies. Identifiers: Orphanet 167848, MedGen C0878544, MONDO:0004994, HP:0001638. Inheritance: Various modes of inheritance.
Myopathy, myofibrillar, 9, with early respiratory failure (MFM9). Also called: MYOPATHY, PROXIMAL, WITH EARLY RESPIRATORY MUSCLE INVOLVEMENT; Hereditary myopathy with early respiratory failure; EDSTROM MYOPATHY; Myopathy, distal, with early respiratory failure, autosomal dominant. Identifiers: Orphanet 178464, Orphanet 34521, MedGen C1863599, MONDO:0011362, OMIM 603689.
Early-onset myopathy with fatal cardiomyopathy (CMYO5). Also called: Salih Myopathy; CONGENITAL MYOPATHY 5 WITH CARDIOMYOPATHY. Identifiers: Orphanet 289377, MedGen C2673677, MONDO:0012714, OMIM 611705. Disease mechanism: loss of function.
Tibial muscular dystrophy (TMD). Also called: Udd Distal Myopathy – Tibial Muscular Dystrophy; UDD MYOPATHY; Tibial muscular dystrophy, tardive. Identifiers: Orphanet 609, MedGen C1838244, MONDO:0010870, OMIM 600334.

Allele frequency attached by ClinVar (database versions not stated): ExAC 0.00004; gnomAD 0.00005 and 0.00006; gnomAD exomes 0.00005; TOPMed 0.00006; 1000 Genomes Project 30x 0.00016; 1000 Genomes Project 0.00020.
gnomAD v4.1: 79 of 1,564,776 alleles (0.005%); highest among the groups gnomAD compares: Middle Eastern, 0.034%; no homozygotes.

Submissions (14):

Labcorp Genetics (formerly Invitae), Labcorp
Classification: Likely benign for Dilated cardiomyopathy 1G; Autosomal recessive limb-girdle muscular dystrophy type 2J. Last evaluated: 2026-01-05. Review status: criteria provided, single submitter. Criteria: Invitae Variant Classification Sherloc (09022015). Collection method: clinical testing. Allele origin: germline.

Women's Health and Genetics/Laboratory Corporation of America, LabCorp
Classification: Likely benign. Last evaluated: 2025-12-05. Review status: criteria provided, single submitter. Criteria: LabCorp Variant Classification Summary - May 2015. Collection method: clinical testing. Allele origin: germline.

Molecular Diagnostic Laboratory for Inherited Cardiovascular Disease, Montreal Heart Institute
Classification: Likely benign. Last evaluated: 2025-04-09. Review status: criteria provided, single submitter. Criteria: ACMG Guidelines, 2015. Collection method: clinical testing. Allele origin: germline. Affected: no.
Comment: BP6;BP7

Blueprint Genetics
Classification: Likely benign. Last evaluated: 2024-11-19. Review status: criteria provided, single submitter. Criteria: ACMG Guidelines, 2015. Collection method: clinical testing. Allele origin: germline.

CHEO Genetics Diagnostic Laboratory, Children's Hospital of Eastern Ontario
Classification: Likely benign for Cardiomyopathy. Last evaluated: 2021-10-13. Review status: criteria provided, single submitter. Criteria: ACMG Guidelines, 2015. Collection method: clinical testing. Allele origin: germline.

Illumina Laboratory Services, Illumina
Classification: Uncertain significance for Dilated cardiomyopathy 1G. Last evaluated: 2018-01-15. Review status: criteria provided, single submitter. Criteria: ICSL Variant Classification Criteria 13 December 2019. Collection method: clinical testing. Allele origin: germline.

Illumina Laboratory Services, Illumina
Classification: Uncertain significance for Early-onset myopathy with fatal cardiomyopathy. Last evaluated: 2018-01-15. Review status: criteria provided, single submitter. Criteria: ICSL Variant Classification Criteria 13 December 2019. Collection method: clinical testing. Allele origin: germline.

Illumina Laboratory Services, Illumina
Classification: Uncertain significance for Tibial muscular dystrophy. Last evaluated: 2018-01-15. Review status: criteria provided, single submitter. Criteria: ICSL Variant Classification Criteria 13 December 2019. Collection method: clinical testing. Allele origin: germline.

Illumina Laboratory Services, Illumina
Classification: Uncertain significance for Autosomal recessive limb-girdle muscular dystrophy type 2J. Last evaluated: 2018-01-15. Review status: criteria provided, single submitter. Criteria: ICSL Variant Classification Criteria 13 December 2019. Collection method: clinical testing. Allele origin: germline.

Illumina Laboratory Services, Illumina
Classification: Uncertain significance for Myopathy, myofibrillar, 9, with early respiratory failure. Last evaluated: 2018-01-15. Review status: criteria provided, single submitter. Criteria: ICSL Variant Classification Criteria 13 December 2019. Collection method: clinical testing. Allele origin: germline.

GeneDx
Classification: Likely benign. Last evaluated: 2017-11-21. Review status: criteria provided, single submitter. Criteria: GeneDx Variant Classification (06012015). Collection method: clinical testing. Allele origin: germline. Affected: yes.
Comment: This variant is considered likely benign or benign based on one or more of the following criteria: it is a conservative change, it occurs at a poorly conserved position in the protein, it is predicted to be benign by multiple in silico algorithms, and/or has population frequency not consistent with disease.

Ambry Genetics
Classification: Likely benign for Cardiovascular phenotype. Last evaluated: 2016-11-09. Review status: criteria provided, single submitter. Criteria: Ambry Variant Classification Scheme 2023. Collection method: clinical testing. Allele origin: germline.

Eurofins Ntd Llc (ga)
Classification: Uncertain significance. Last evaluated: 2014-12-17. Review status: criteria provided, single submitter. Criteria: EGL Classification Definitions 2015. Collection method: clinical testing. Allele origin: germline. Observed: 1 variant allele, 1 heterozygote.

Genetic Services Laboratory, University of Chicago
Classification: Uncertain significance. Last evaluated: 2014-10-16. Review status: criteria provided, single submitter. Criteria: ACMG Guidelines, 2015. Collection method: clinical testing. Allele origin: germline.

NM_001267550.2(TTN):c.56535G>A (p.Thr18845=)

Genes: TTN (titin; minus strand), TTN-AS1 (TTN antisense RNA 1; plus strand). Cytogenetic location: 2q31.2.
Variant type: single nucleotide variant.
Coding change: c.56535G>A on transcript NM_001267550.2 (MANE Select); coding-DNA position 56535, G replaced by A.
Protein change: p.Thr18845=; no amino-acid change (threonine 18845 retained).
Molecular consequence: synonymous variant.
Genome position (GRCh38, 1-based): chr2:178,599,258, C>T on the plus strand (G>A on the coding strand, the complement: TTN is on the minus strand). VCF-style: chr2-178599258-C-T. GRCh37 (hg19) VCF-style: chr2-179463985-C-T.
Other names: c.51612G>A, p.Thr17204= (NM_001256850.1); c.29340G>A, p.Thr9780= (NM_003319.4); c.48831G>A, p.Thr16277= (NM_133378.4); c.29715G>A, p.Thr9905= (NM_133432.3); c.29916G>A, p.Thr9972= (NM_133437.4).
Identifiers: ClinVar variation 195796 (VCV000195796.44), dbSNP rs529480368, ClinGen allele CA207890.